The following is an entry in ClinVar:

NM_000018.4(ACADVL):c.155C>G (p.Ser52Ter)

Gene: ACADVL (acyl-CoA dehydrogenase very long chain; plus strand). Cytogenetic location: 17p13.1.
Variant type: single nucleotide variant.
Coding change: c.155C>G on transcript NM_000018.4 (MANE Select); coding-DNA position 155, C replaced by G.
Protein change: p.Ser52Ter; replaces serine 52 with a stop codon.
Molecular consequence: nonsense. On other transcripts: 5 prime UTR variant (1), intron variant (1).
Genome position (GRCh38, 1-based): chr17:7,220,480, C>G. VCF-style: chr17-7220480-C-G. GRCh37 (hg19) VCF-style: chr17-7123799-C-G.
Other names: NM_000018.4(ACADVL):c.155C>G; p.Ser52Ter; c.224C>G, p.Ser75Ter (NM_001270447.2); c.-74C>G (NM_001270448.2); c.139-124C>G (NM_001033859.3); short protein forms S75*, S52*.
Identifiers: ClinVar variation 932733 (VCV000932733.5), dbSNP rs2071146837, ClinGen allele CA397722206.

ClinVar aggregate classification (germline): Likely pathogenic. Review status: reviewed by expert panel (3 of 4 stars). 2 submissions from 2 submitters: Likely pathogenic (1). 1 of the submissions does not count toward it. Last evaluated 2024-02-27.

Conditions:
Very long chain acyl-CoA dehydrogenase deficiency (ACADVLD). Also called: Very Long-Chain Acyl-Coenzyme A Dehydrogenase Deficiency; VLCAD Deficiency. Identifiers: Orphanet 26793, MedGen C3887523, MONDO:0008723, OMIM 201475.

Submissions (2):

ClinGen ACADVL Variant Curation Expert Panel, ClinGen
Classification: Likely pathogenic for Very long chain acyl-CoA dehydrogenase deficiency. Last evaluated: 2024-02-27. Review status: reviewed by expert panel. Criteria: clingen acadvl acmg specifications v1. Collection method: curation. Allele origin: germline. Inheritance: Autosomal recessive inheritance.
Comment: The NM_000018.4(ACADVL):c.155C>G (p.Ser52Ter) variant in ACADVL is a nonsense variant predicted to cause a premature stop codon in biologically relevant exon 3/20 leading to nonsense mediated decay in a gene in which loss-of-function is an established disease mechanism (PVS1: PMIDs 9973285, 11590124). This variant is absent from gnomAD v2.1.1 (PM2_Supporting). To our knowledge, functional assays have not been reported for this variant nor has the variant been reported in the literature in any individuals with VLCADD. In summary, this variant meets the criteria to be classified as likely pathogenic for autosomal recessive very long chain acyl-CoA dehydrogenase (VLCAD) deficiency based on the ACMG/AMP criteria applied, as specified by the ClinGen ACADVL Variant Curation Expert Panel: PVS1, PM2_Supporting (ACADVL VCEP specifications version 1; approved November 9, 2021). This variant was originally curated November 9, 2021 and the recurated classification was approved by the expert panel on February 27, 2024.

Wong Mito Lab, Molecular and Human Genetics, Baylor College of Medicine
Classification: Pathogenic for Very long chain acyl-CoA dehydrogenase deficiency. Last evaluated: 2019-11-01. Review status: criteria provided, single submitter. Criteria: ACMG Guidelines, 2015. Collection method: clinical testing. Allele origin: germline. Not counted in ClinVar's aggregate classification.
Comment: The NM_000018.3:c.155C>G (NP_000009.1:p.Ser52Ter) [GRCH38: NC_000017.11:g.7220480C>G] variant in ACADVL gene is interpretated to be Pathogenic based on ACMG guidelines (PMID: 25741868). This variant has been reported. This variant meets the following evidence codes reported in the ACMG guidelines: PVS1, PS3